The following is an entry in ClinVar:

NM_000218.3(KCNQ1):c.1394-7850C>G

Genes: KCNQ1 (potassium voltage-gated channel subfamily Q member 1; plus strand), KCNQ1OT1 (KCNQ1 opposite strand/antisense transcript 1; minus strand). Cytogenetic location: 11p15.5.
Variant type: single nucleotide variant.
Coding change: c.1394-7850C>G on transcript NM_000218.3 (MANE Select); 7850 bases into the intron before coding-DNA position 1394, C replaced by G.
Molecular consequence: intron variant. On other transcripts: non-coding transcript variant (1).
Genome position (GRCh38, 1-based): chr11:2,654,111, C>G. VCF-style: chr11-2654111-C-G. GRCh37 (hg19) VCF-style: chr11-2675341-C-G.
Other names: c.1124-7850C>G (NM_001406837.1); c.1298-7850C>G (NM_001406836.1); c.854-7850C>G (NM_001406838.1); c.1013-7850C>G (NM_181798.2).
Identifiers: ClinVar variation 3032877 (VCV003032877.2), dbSNP rs566661646, ClinGen allele CA216165227.

ClinVar aggregate classification (germline): Likely benign (0 of 4 stars; one submission).

Conditions:
KCNQ1-related disorder. Also called: KCNQ1-related disorders; KCNQ1-related condition. Identifiers: MedGen CN239322.

Allele frequency attached by ClinVar (database versions not stated): TOPMed 0.00006; 1000 Genomes Project 30x 0.00016; 1000 Genomes Project 0.00020.
gnomAD v4.1: 30 of 398,738 alleles (0.0075%); highest among the groups gnomAD compares: East Asian, 0.082%; no homozygotes.

Submission:

PreventionGenetics, part of Exact Sciences
Classification: Likely benign for KCNQ1-related condition. Last evaluated: 2022-03-31. Review status: no assertion criteria provided. Collection method: clinical testing. Allele origin: germline.
Comment: This variant is classified as likely benign based on ACMG/AMP sequence variant interpretation guidelines (Richards et al. 2015 PMID: 25741868, with internal and published modifications).